The following is an entry in ClinVar:

ClinVar aggregate classification (germline): Uncertain significance (1 of 4 stars; one submission).

Conditions:
Inborn genetic diseases. Identifiers: MedGen C0950123, MeSH D030342.

Submission:

Ambry Genetics
Classification: Uncertain significance for Inborn genetic diseases. Last evaluated: 2025-02-24. Review status: criteria provided, single submitter. Criteria: Ambry Variant Classification Scheme 2023. Collection method: clinical testing. Allele origin: germline.
Comment: The c.4213_4218dupGAGGCA (p.E1405_A1406dup) alteration is located in exon 18 (coding exon 18) of the TUBGCP6 gene. The alteration consists of an in-frame duplication of 6 nucleotides from position 4213 to 4218, resulting in the duplication of 2 residues. Based on insufficient or conflicting evidence, the clinical significance of this alteration remains unclear.

NM_020461.4(TUBGCP6):c.4213_4218dup (p.Ala1406_Ser1407insGluAla)

Gene: TUBGCP6 (tubulin gamma complex component 6; minus strand). Cytogenetic location: 22q13.33.
Variant type: Duplication.
Coding change: c.4213_4218dup on transcript NM_020461.4 (MANE Select); coding-DNA positions 4213 to 4218, 6 bases duplicated (GAGGCA; older notation c.4213_4218dupGAGGCA).
Protein change: p.Ala1406_Ser1407insGluAla.
Molecular consequence: inframe insertion.
Genome position (GRCh38, 1-based): chr22:50,219,741-50,219,746, TGCCTC duplicated on the plus strand (GAGGCA on the coding strand, the reverse complement: TUBGCP6 is on the minus strand). VCF-style (leftmost placement, unchanged base first): chr22-50219740-A-ATGCCTC. GRCh37 (hg19) VCF-style: chr22-50658169-A-ATGCCTC.
Identifiers: ClinVar variation 3812432 (VCV003812432.1).